The following is an entry in ClinVar:

ClinVar aggregate classification (germline): Uncertain significance. Review status: criteria provided, multiple submitters, no conflicts (2 of 4 stars). 2 submissions from 2 submitters: Uncertain significance (2). Last evaluated 2025-10-30.

Conditions:
Inborn genetic diseases. Identifiers: MedGen C0950123, MeSH D030342.
SIM1-related disorder. Also called: SIM1-related disorders; SIM1-related condition.

gnomAD v4.1: 9 of 1,613,998 alleles (0.00056%); highest among the groups gnomAD compares: African/African-American, 0.012%; no homozygotes.

Submissions (2):

Ambry Genetics
Classification: Uncertain significance for Inborn genetic diseases. Last evaluated: 2025-10-30. Review status: criteria provided, single submitter. Criteria: Ambry Variant Classification Scheme 2023. Collection method: clinical testing. Allele origin: germline.

PreventionGenetics, part of Exact Sciences
Classification: Uncertain significance for SIM1-related condition. Last evaluated: 2025-08-06. Review status: criteria provided, single submitter. Criteria: ACMG Guidelines, 2015. Collection method: clinical testing. Allele origin: germline.
Comment: The SIM1 c.1763C>A variant is predicted to result in the amino acid substitution p.Pro588His. To our knowledge, this variant has not been reported in the literature. This variant is reported in 0.0062% of alleles in individuals of African descent in gnomAD. At this time, the clinical significance of this variant is uncertain due to the absence of conclusive functional and genetic evidence.

NM_005068.3(SIM1):c.1763C>A (p.Pro588His)

Gene: SIM1 (SIM bHLH transcription factor 1; minus strand). Cytogenetic location: 6q16.3.
Variant type: single nucleotide variant.
Coding change: c.1763C>A on transcript NM_005068.3 (MANE Select); coding-DNA position 1763, C replaced by A.
Protein change: p.Pro588His; replaces proline 588 with histidine.
Molecular consequence: missense variant.
Genome position (GRCh38, 1-based): chr6:100,390,899, G>T on the plus strand (C>A on the coding strand, the complement: SIM1 is on the minus strand). VCF-style: chr6-100390899-G-T. GRCh37 (hg19) VCF-style: chr6-100838775-G-T.
Other names: c.1763C>A, p.Pro588His (NM_001374769.1); short protein forms P588H.
Identifiers: ClinVar variation 3353208 (VCV003353208.3).